The following is an entry in ClinVar:

NM_014028.4(OSTM1):c.593C>T (p.Thr198Ile)

Gene: OSTM1 (osteoclastogenesis associated transmembrane protein 1; minus strand). Cytogenetic location: 6q21.
Variant type: single nucleotide variant.
Coding change: c.593C>T on transcript NM_014028.4 (MANE Select); coding-DNA position 593, C replaced by T.
Protein change: p.Thr198Ile; replaces threonine 198 with isoleucine.
Molecular consequence: missense variant.
Genome position (GRCh38, 1-based): chr6:108,054,512, G>A on the plus strand (C>T on the coding strand, the complement: OSTM1 is on the minus strand). VCF-style: chr6-108054512-G-A. GRCh37 (hg19) VCF-style: chr6-108375716-G-A.
Other names: short protein forms T198I.
Identifiers: ClinVar variation 1385517 (VCV001385517.3), dbSNP rs775833670, ClinGen allele CA3948014.

ClinVar aggregate classification (germline): Uncertain significance (1 of 4 stars; one submission).

Allele frequency attached by ClinVar (database versions not stated): gnomAD 0.00003; TOPMed 0.00001.
gnomAD v4.1: 14 of 1,523,286 alleles (0.00092%); highest among the groups gnomAD compares: East Asian, 0.029%; no homozygotes.

Submission:

Labcorp Genetics (formerly Invitae), Labcorp
Classification: Uncertain significance. Last evaluated: 2021-10-24. Review status: criteria provided, single submitter. Criteria: Invitae Variant Classification Sherloc (09022015). Collection method: clinical testing. Allele origin: germline.
Comment: This sequence change replaces threonine with isoleucine at codon 198 of the OSTM1 protein (p.Thr198Ile). The threonine residue is moderately conserved and there is a moderate physicochemical difference between threonine and isoleucine. This variant is present in population databases (rs775833670, ExAC 0.07%). This variant has not been reported in the literature in individuals affected with OSTM1-related conditions. Algorithms developed to predict the effect of missense changes on protein structure and function are either unavailable or do not agree on the potential impact of this missense change (SIFT: "Deleterious"; PolyPhen-2: "Possibly Damaging"; Align-GVGD: "Class C0"). In summary, the available evidence is currently insufficient to determine the role of this variant in disease. Therefore, it has been classified as a Variant of Uncertain Significance.